The following is an entry in ClinVar:

ClinVar aggregate classification (germline): Uncertain significance. Review status: criteria provided, multiple submitters, no conflicts (2 of 4 stars). 2 submissions from 2 submitters: Uncertain significance (2). Last evaluated 2022-02-04.

Conditions:
Hyperkalemic periodic paralysis. Also called: Familial hyperkalemic periodic paralysis; Gamstorp disease. Identifiers: Orphanet 682, MedGen C0238357, MONDO:0008224, OMIM 170500, HP:0007215.

Allele frequency attached by ClinVar (database versions not stated): gnomAD exomes below 0.00001; gnomAD 0.00001.
gnomAD v4.1: 2 of 1,613,820 alleles (0.00012%); highest among the groups gnomAD compares: Middle Eastern, 0.017%; no homozygotes.

Submissions (2):

Labcorp Genetics (formerly Invitae), Labcorp
Classification: Uncertain significance for Hyperkalemic periodic paralysis. Last evaluated: 2022-02-04. Review status: criteria provided, single submitter. Criteria: Invitae Variant Classification Sherloc (09022015). Collection method: clinical testing. Allele origin: germline.
Comment: In summary, the available evidence is currently insufficient to determine the role of this variant in disease. Therefore, it has been classified as a Variant of Uncertain Significance. Algorithms developed to predict the effect of missense changes on protein structure and function (SIFT, PolyPhen-2, Align-GVGD) all suggest that this variant is likely to be disruptive. This variant has not been reported in the literature in individuals affected with SCN4A-related conditions. This variant is not present in population databases (gnomAD no frequency). This sequence change replaces alanine, which is neutral and non-polar, with valine, which is neutral and non-polar, at codon 927 of the SCN4A protein (p.Ala927Val).

Revvity Omics, Revvity
Classification: Uncertain significance. Last evaluated: 2019-10-08. Review status: criteria provided, single submitter. Criteria: ACMG Guidelines, 2015. Collection method: clinical testing. Allele origin: germline.

NM_000334.4(SCN4A):c.2780C>T (p.Ala927Val)

Genes: GH-LCR (growth hormone locus control region; plus strand), SCN4A (sodium voltage-gated channel alpha subunit 4; minus strand). Cytogenetic location: 17q23.3.
Variant type: single nucleotide variant.
Coding change: c.2780C>T on transcript NM_000334.4 (MANE Select); coding-DNA position 2780, C replaced by T.
Protein change: p.Ala927Val; replaces alanine 927 with valine.
Molecular consequence: missense variant.
Genome position (GRCh38, 1-based): chr17:63,951,497, G>A on the plus strand (C>T on the coding strand, the complement: SCN4A is on the minus strand). VCF-style: chr17-63951497-G-A. GRCh37 (hg19) VCF-style: chr17-62028857-G-A.
Other names: short protein forms A927V.
Identifiers: ClinVar variation 1934019 (VCV001934019.8), dbSNP rs2144786597, ClinGen allele CA400624973.